The following is an entry in ClinVar:

NM_001324418.2(ADAM22):c.1851C>T (p.Leu617=)

Gene: ADAM22 (ADAM metallopeptidase domain 22; plus strand). Cytogenetic location: 7q21.12.
Variant type: single nucleotide variant.
Coding change: c.1851C>T on transcript NM_001324418.2 (MANE Select); coding-DNA position 1851, C replaced by T.
Protein change: p.Leu617=; no amino-acid change (leucine 617 retained).
Molecular consequence: synonymous variant.
Genome position (GRCh38, 1-based): chr7:88,155,950, C>T. VCF-style: chr7-88155950-C-T. GRCh37 (hg19) VCF-style: chr7-87785265-C-T.
Other names: c.1848C>T, p.Leu616= (NM_001324417.2, NM_001324419.2, NM_001391978.1 and 2 more transcripts); c.1851C>T, p.Leu617= (NM_001324420.2, NM_001324421.2, NM_001391976.1 and 6 more transcripts); c.1902C>T, p.Leu634= (NM_001391975.1, NM_001391980.1); c.1827C>T, p.Leu609= (NM_001391982.1).
Identifiers: ClinVar variation 712003 (VCV000712003.5), dbSNP rs371408195, ClinGen allele CA4330669.
Genomic context (GRCh38, chr7:88,155,950, plus strand): 5'-TGTGCTTTGTGGTTACCTTTTGTGTACCAATATTGGCAATATCCCAAGGCTTGGAGAACT[C>T]GATGGTGAAATCACATCTACTTTAGTTGTGCAGCAAGGAAGAACATTAAACTGCAGGTAA-3'
Protein context (NP_001311347.1, residues 607-627): NIGNIPRLGE[Leu617=]DGEITSTLVV

ClinVar aggregate classification (germline): Benign/Likely benign. Review status: criteria provided, multiple submitters, no conflicts (2 of 4 stars). 3 submissions from 3 submitters: Benign (1); Likely benign (2). Last evaluated 2026-10-01.

Allele frequency attached by ClinVar (database versions not stated): gnomAD exomes 0.00018; ExAC 0.00027; gnomAD 0.00068 and 0.00076; TOPMed 0.00086; 1000 Genomes Project 0.00100; 1000 Genomes Project 30x 0.00109; ESP Exome Variant Server 0.00117.
gnomAD v4.1: 215 of 1,613,258 alleles (0.013%); highest among the groups gnomAD compares: African/African-American, 0.26%; no homozygotes.

Submissions (3):

CeGaT Center for Human Genetics Tuebingen
Classification: Likely benign. Last evaluated: 2026-10-01. Review status: criteria provided, single submitter. Criteria: CeGaT Center For Human Genetics Tuebingen Variant Classification Criteria Version 2. Collection method: clinical testing. Allele origin: germline. Affected: yes. Observed: 1 variant allele.
Comment: ADAM22: BP4, BP7

Blueprint Genetics
Classification: Likely benign. Last evaluated: 2024-02-23. Review status: criteria provided, single submitter. Criteria: ACMG Guidelines, 2015. Collection method: clinical testing. Allele origin: germline.

Labcorp Genetics (formerly Invitae), Labcorp
Classification: Benign. Last evaluated: 2018-08-18. Review status: criteria provided, single submitter. Criteria: Invitae Variant Classification Sherloc (09022015). Collection method: clinical testing. Allele origin: germline.